The following is an entry in ClinVar:

ClinVar aggregate classification (germline): Benign/Likely benign. Review status: criteria provided, multiple submitters, no conflicts (2 of 4 stars). 3 submissions from 3 submitters: Benign (1); Likely benign (2). Last evaluated 2026-05-20.

Conditions:
Neurofibromatosis, type 1 (NF1). Also called: VON RECKLINGHAUSEN DISEASE; NEUROFIBROMATOSIS, TYPE I, SOMATIC; Neurofibromatosis, type I; Peripheral type neurofibromatosis. Identifiers: Orphanet 636, MedGen C0027831, MONDO:0018975, OMIM 162200. Disease mechanism: loss of function.
Cardiovascular phenotype. Identifiers: MedGen CN230736.
Hereditary cancer-predisposing syndrome. Also called: Neoplastic Syndromes, Hereditary; Tumor predisposition; Hereditary neoplastic syndrome; Hereditary Cancer Syndrome. Identifiers: Orphanet 140162, MedGen C0027672, MeSH D009386, MONDO:0015356.

Submissions (3):

Myriad Genetics, Inc.
Classification: Benign for Neurofibromatosis, type 1. Last evaluated: 2026-05-20. Review status: criteria provided, single submitter. Criteria: Myriad Autosomal Dominant, Autosomal Recessive and X-Linked Classification Criteria (2023). Collection method: clinical testing. Allele origin: unknown.
Comment: This variant is considered benign. This variant is a silent/synonymous amino acid change and it is not expected to impact splicing.

Labcorp Genetics (formerly Invitae), Labcorp
Classification: Likely benign for Neurofibromatosis, type 1. Last evaluated: 2023-11-08. Review status: criteria provided, single submitter. Criteria: Invitae Variant Classification Sherloc (09022015). Collection method: clinical testing. Allele origin: germline.

Ambry Genetics
Classification: Likely benign for Cardiovascular phenotype; Hereditary cancer-predisposing syndrome. Last evaluated: 2021-07-10. Review status: criteria provided, single submitter. Criteria: Ambry Variant Classification Scheme 2023. Collection method: clinical testing. Allele origin: germline.

NM_001042492.3(NF1):c.5229T>G (p.Ala1743=)

Gene: NF1 (neurofibromin 1; plus strand). Cytogenetic location: 17q11.2.
Variant type: single nucleotide variant.
Coding change: c.5229T>G on transcript NM_001042492.3 (MANE Select); coding-DNA position 5229, T replaced by G.
Protein change: p.Ala1743=; no amino-acid change (alanine 1743 retained).
Molecular consequence: synonymous variant.
Genome position (GRCh38, 1-based): chr17:31,326,213, T>G. VCF-style: chr17-31326213-T-G. GRCh37 (hg19) VCF-style: chr17-29653231-T-G.
Other names: c.5166T>G, p.Ala1722= (NM_000267.4).
Identifiers: ClinVar variation 1745752 (VCV001745752.8), dbSNP rs876657546, ClinGen allele CA499233220.
Genomic context (GRCh38, chr17:31,326,213, plus strand): 5'-ACAGAAACTACCTGCTGCCACCTTGGCTTTAGAAGAGGACCTGAAGGTATTCCACAATGC[T>G]CTCAAGCTAGCTCACAAAGACACCAAAGTTTCTATTAAAGTAAGTTCCAGTCTGTGTTTT-3'
Protein context (NP_001035957.1, residues 1733-1753): LEEDLKVFHN[Ala1743=]LKLAHKDTKV